The following is an entry in ClinVar:

ClinVar aggregate classification (germline): Uncertain significance (1 of 4 stars; one submission).

Conditions:
Idiopathic generalized epilepsy. Also called: EIG; Generalised epilepsy. Identifiers: MedGen C0270850, MONDO:0005579, OMIM 600669.
Epilepsy, idiopathic generalized, susceptibility to, 13. Also called: EPILEPSY, JUVENILE MYOCLONIC, SUSCEPTIBILITY TO, 5. Identifiers: Orphanet 307, Orphanet 64280, MedGen C4013473, MONDO:0012627, OMIM 611136.
Epilepsy, childhood absence 4 (ECA4). Also called: EPILEPSY, CHILDHOOD ABSENCE, SUSCEPTIBILITY TO, 4. Identifiers: Orphanet 307, MedGen C1970160.

Submission:

Labcorp Genetics (formerly Invitae), Labcorp
Classification: Uncertain significance for Epilepsy, childhood absence 4; Epilepsy, idiopathic generalized, susceptibility to, 13; Idiopathic generalized epilepsy. Last evaluated: 2024-05-27. Review status: criteria provided, single submitter. Criteria: Invitae Variant Classification Sherloc (09022015). Collection method: clinical testing. Allele origin: germline.
Comment: This sequence change replaces threonine, which is neutral and polar, with isoleucine, which is neutral and non-polar, at codon 453 of the GABRA1 protein (p.Thr453Ile). Information on the frequency of this variant in the gnomAD database is not available, as this variant may be reported differently in the database. This variant has not been reported in the literature in individuals affected with GABRA1-related conditions. An algorithm developed to predict the effect of missense changes on protein structure and function (PolyPhen-2) suggests that this variant is likely to be tolerated. In summary, the available evidence is currently insufficient to determine the role of this variant in disease. Therefore, it has been classified as a Variant of Uncertain Significance.

NM_001127644.2(GABRA1):c.1358_1359delinsTC (p.Thr453Ile)

Gene: GABRA1 (gamma-aminobutyric acid type A receptor subunit alpha1; plus strand). Cytogenetic location: 5q34.
Variant type: Indel.
Coding change: c.1358_1359delinsTC on transcript NM_001127644.2 (MANE Select); coding-DNA positions 1358 to 1359, CA replaced by TC.
Protein change: p.Thr453Ile; replaces threonine 453 with isoleucine.
Molecular consequence: missense variant.
Genome position (GRCh38, 1-based): chr5:161,897,409-161,897,410, CA replaced by TC. VCF-style: chr5-161897409-CA-TC. GRCh37 (hg19) VCF-style: chr5-161324415-CA-TC.
Other names: c.1358_1359delinsTC, p.Thr453Ile (NM_000806.5, NM_001127643.2, NM_001127645.2 and 1 more transcripts); short protein forms T453I.
Identifiers: ClinVar variation 2947548 (VCV002947548.3), dbSNP rs2532296921, ClinGen allele CA2740094163.